The following is an entry in ClinVar:

ClinVar aggregate classification (germline): Benign. Review status: criteria provided, multiple submitters, no conflicts (2 of 4 stars). 10 submissions from 9 submitters: Benign (10). Last evaluated 2026-02-04.

Conditions:
Usher syndrome type 2D. Also called: USHER SYNDROME, TYPE IID. Identifiers: Orphanet 231178, Orphanet 886, MedGen C1568249, MONDO:0012662, OMIM 611383.
Autosomal recessive nonsyndromic hearing loss 31. Also called: WHIRLER, MOUSE, HOMOLOG OF. Identifiers: Orphanet 90636, MedGen C1846839, MONDO:0011767, OMIM 607084.

Allele frequency attached by ClinVar (database versions not stated): 1000 Genomes Project 30x 0.47720; gnomAD 0.47944 and 0.48457; 1000 Genomes Project 0.48163; gnomAD exomes 0.52932 and 0.54199; TOPMed 0.48216; ESP Exome Variant Server 0.49200; ExAC 0.53110.
gnomAD v4.1: 865,430 of 1,613,758 alleles (54%); highest among the groups gnomAD compares: South Asian, 59%; 234,027 homozygotes.

Submissions (10):

Labcorp Genetics (formerly Invitae), Labcorp
Classification: Benign. Last evaluated: 2026-02-04. Review status: criteria provided, single submitter. Criteria: Invitae Variant Classification Sherloc (09022015). Collection method: clinical testing. Allele origin: germline.

Genome-Nilou Lab
Classification: Benign for Autosomal recessive nonsyndromic hearing loss 31. Last evaluated: 2021-07-30. Review status: criteria provided, single submitter. Criteria: ACMG Guidelines, 2015. Collection method: clinical testing. Allele origin: germline. Affected: no.

Mayo Clinic Laboratories, Mayo Clinic
Classification: Benign. Last evaluated: 2020-10-02. Review status: criteria provided, single submitter. Criteria: ACMG Guidelines, 2015. Collection method: clinical testing. Allele origin: germline. Observed: 124 variant alleles.

Illumina Laboratory Services, Illumina
Classification: Benign for Autosomal recessive nonsyndromic hearing loss 31. Last evaluated: 2018-01-13. Review status: criteria provided, single submitter. Criteria: ICSL Variant Classification Criteria 13 December 2019. Collection method: clinical testing. Allele origin: germline.
Comment: This variant was observed in the ICSL laboratory as part of a predisposition screen in an ostensibly healthy population. It had not been previously curated by ICSL or reported in the Human Gene Mutation Database (HGMD: prior to June 1st, 2018), and was therefore a candidate for classification through an automated scoring system. Utilizing variant allele frequency, disease prevalence and penetrance estimates, and inheritance mode, an automated score was calculated to assess if this variant is too frequent to cause the disease. Based on the score and internal cut-off values, a variant classified as benign is not then subjected to further curation. The score for this variant resulted in a classification of benign for this disease.

Illumina Laboratory Services, Illumina
Classification: Benign for Usher syndrome type 2D. Last evaluated: 2018-01-13. Review status: criteria provided, single submitter. Criteria: ICSL Variant Classification Criteria 13 December 2019. Collection method: clinical testing. Allele origin: germline.
Comment: the same text as in the submission from Illumina Laboratory Services, Illumina above.

Eurofins Ntd Llc (ga)
Classification: Benign. Last evaluated: 2016-05-31. Review status: criteria provided, single submitter. Criteria: EGL Classification Definitions 2015. Collection method: clinical testing. Allele origin: germline. Observed: 20 variant alleles, 14 heterozygotes, 6 homozygotes.

GeneDx
Classification: Benign. Last evaluated: 2015-03-03. Review status: criteria provided, single submitter. Criteria: GeneDx Variant Classification Process June 2021. Collection method: clinical testing. Allele origin: germline. Affected: yes.

Laboratory for Molecular Medicine, Mass General Brigham Personalized Medicine
Classification: Benign. Last evaluated: 2009-06-19. Review status: criteria provided, single submitter. Criteria: LMM Criteria. Collection method: clinical testing. Allele origin: germline. Observed: 1,617 variant alleles.

Breakthrough Genomics
Classification: Benign. Review status: criteria provided, single submitter. Criteria: ACMG Guidelines, 2015. Collection method: not provided. Allele origin: germline. Inheritance: Autosomal recessive inheritance. Affected: yes.

PreventionGenetics, part of Exact Sciences
Classification: Benign. Review status: criteria provided, single submitter. Criteria: ACMG Guidelines, 2015. Collection method: clinical testing. Allele origin: germline.

Literature cited by the submitters: PubMed 15841483 (cited by Laboratory for Molecular Medicine, Mass General Brigham Personalized Medicine).

NM_015404.4(WHRN):c.1838T>C (p.Met613Thr)

Gene: WHRN (whirlin; minus strand). Cytogenetic location: 9q32.
Variant type: single nucleotide variant.
Coding change: c.1838T>C on transcript NM_015404.4 (MANE Select); coding-DNA position 1838, T replaced by C.
Protein change: p.Met613Thr; replaces methionine 613 with threonine.
Molecular consequence: missense variant.
Genome position (GRCh38, 1-based): chr9:114,406,753, A>G on the plus strand (T>C on the coding strand, the complement: WHRN is on the minus strand). VCF-style: chr9-114406753-A-G. GRCh37 (hg19) VCF-style: chr9-117169033-A-G.
Other names: c.689T>C, p.Met230Thr (NM_001083885.3); c.1838T>C, p.Met613Thr (NM_001173425.2); c.785T>C, p.Met262Thr (NM_001346890.1); short protein forms M613T, M262T, M230T.
Identifiers: ClinVar variation 45663 (VCV000045663.27), dbSNP rs942519, ClinGen allele CA136898.